The following is an entry in ClinVar:

NM_001042475.3(CEP85L):c.456A>T (p.Pro152=)

Gene: CEP85L (centrosomal protein 85L; minus strand). Cytogenetic location: 6q22.31.
Variant type: single nucleotide variant.
Coding change: c.456A>T on transcript NM_001042475.3 (MANE Select); coding-DNA position 456, A replaced by T.
Protein change: p.Pro152=; no amino-acid change (proline 152 retained).
Molecular consequence: synonymous variant.
Genome position (GRCh38, 1-based): chr6:118,566,093, T>A on the plus strand (A>T on the coding strand, the complement: CEP85L is on the minus strand). VCF-style: chr6-118566093-T-A. GRCh37 (hg19) VCF-style: chr6-118887256-T-A.
Other names: c.465A>T, p.Pro155= (NM_001178035.2); c.456A>T, p.Pro152= (NM_206921.3).
Identifiers: ClinVar variation 4681749 (VCV004681749.5).

ClinVar aggregate classification (germline): Likely benign (1 of 4 stars; one submission).

gnomAD v4.1: 10 of 1,614,100 alleles (0.00062%); highest among the groups gnomAD compares: Non-Finnish European, 0.00085%; no homozygotes.

Submission:

CeGaT Center for Human Genetics Tuebingen
Classification: Likely benign. Last evaluated: 2025-12-01. Review status: criteria provided, single submitter. Criteria: CeGaT Center For Human Genetics Tuebingen Variant Classification Criteria Version 2. Collection method: clinical testing. Allele origin: germline. Affected: yes. Observed: 1 variant allele.
Comment: CEP85L: BP4, BP7